The following is an entry in ClinVar:

NM_004646.4(NPHS1):c.877dup (p.His293fs)

Gene: NPHS1 (NPHS1 adhesion molecule, nephrin; minus strand). Cytogenetic location: 19q13.12.
Variant type: Duplication.
Coding change: c.877dup on transcript NM_004646.4 (MANE Select); coding-DNA position 877, one base duplicated (C; older notation c.877dupC).
Protein change: p.His293fs; shifts the reading frame from histidine 293.
Molecular consequence: frameshift variant.
Genome position (GRCh38, 1-based): chr19:35,849,111, G duplicated on the plus strand (C on the coding strand, the reverse complement: NPHS1 is on the minus strand). VCF-style (leftmost placement, unchanged base first): chr19-35849110-T-TG. GRCh37 (hg19) VCF-style: chr19-36340012-T-TG.
Other names: short protein forms H293fs.
Identifiers: ClinVar variation 2133038 (VCV002133038.4), dbSNP rs2513778796, ClinGen allele CA2580096885.

ClinVar aggregate classification (germline): Pathogenic (1 of 4 stars; one submission).

Submission:

Labcorp Genetics (formerly Invitae), Labcorp
Classification: Pathogenic. Last evaluated: 2022-05-11. Review status: criteria provided, single submitter. Criteria: Invitae Variant Classification Sherloc (09022015). Collection method: clinical testing. Allele origin: germline.
Comment: This sequence change creates a premature translational stop signal (p.His293Profs*49) in the NPHS1 gene. It is expected to result in an absent or disrupted protein product. Loss-of-function variants in NPHS1 are known to be pathogenic (PMID: 11317351, 11854170, 12039988). This variant is not present in population databases (gnomAD no frequency). This variant has not been reported in the literature in individuals affected with NPHS1-related conditions. For these reasons, this variant has been classified as Pathogenic.

Literature cited by the submitters: PubMed 11317351; PubMed 11854170; PubMed 12039988.